The following is an entry in ClinVar:

ClinVar aggregate classification (germline): Likely benign. Review status: criteria provided, multiple submitters, no conflicts (2 of 4 stars). 3 submissions from 3 submitters: Likely benign (2). 1 of the submissions does not count toward it. Last evaluated 2025-02-16.

Conditions:
Inborn genetic diseases. Identifiers: MedGen C0950123, MeSH D030342.
BPTF-related disorder. Also called: BPTF-related condition.

Allele frequency attached by ClinVar (database versions not stated): TOPMed 0.00005; gnomAD 0.00007; ESP Exome Variant Server 0.00008; gnomAD exomes 0.00011; ExAC 0.00014.
gnomAD v4.1: 173 of 1,611,420 alleles (0.011%); highest among the groups gnomAD compares: Non-Finnish European, 0.014%; no homozygotes.

Submissions (3):

Laboratory of Genetics, Children's Clinical University Hospital Latvia
Classification: Likely benign. Last evaluated: 2025-02-16. Review status: criteria provided, single submitter. Criteria: ACMG Guidelines, 2015. Collection method: clinical testing. Allele origin: germline. Affected: yes.

Ambry Genetics
Classification: Likely benign for Inborn genetic diseases. Last evaluated: 2021-05-17. Review status: criteria provided, single submitter. Criteria: Ambry Variant Classification Scheme 2023. Collection method: clinical testing. Allele origin: germline.

PreventionGenetics, part of Exact Sciences
Classification: Likely benign for BPTF-related condition. Last evaluated: 2022-09-27. Review status: no assertion criteria provided. Collection method: clinical testing. Allele origin: germline. Not counted in ClinVar's aggregate classification.
Comment: This variant is classified as likely benign based on ACMG/AMP sequence variant interpretation guidelines (Richards et al. 2015 PMID: 25741868, with internal and published modifications).

NM_182641.4(BPTF):c.1657A>G (p.Asn553Asp)

Gene: BPTF (bromodomain PHD finger transcription factor; plus strand). Cytogenetic location: 17q24.2.
Variant type: single nucleotide variant.
Coding change: c.1657A>G on transcript NM_182641.4 (MANE Select); coding-DNA position 1657, A replaced by G.
Protein change: p.Asn553Asp; replaces asparagine 553 with aspartic acid.
Molecular consequence: missense variant.
Genome position (GRCh38, 1-based): chr17:67,866,684, A>G. VCF-style: chr17-67866684-A-G. GRCh37 (hg19) VCF-style: chr17-65862800-A-G.
Other names: c.1657A>G, p.Asn553Asp (NM_004459.7); short protein forms N553D.
Identifiers: ClinVar variation 2220972 (VCV002220972.5), dbSNP rs149637646, ClinGen allele CA8725177.